The following is an entry in ClinVar:

ClinVar aggregate classification (germline): Conflicting classifications of pathogenicity. Review status: criteria provided, conflicting classifications (1 of 4 stars). 11 submissions from 11 submitters: Uncertain significance (5); Likely benign (5). 1 of the submissions does not count toward it. Last evaluated 2026-02-12.

Conditions:
ATM-related disorder. Also called: ATM-related disorders; ATM-related condition.
Hereditary cancer-predisposing syndrome. Also called: Neoplastic Syndromes, Hereditary; Hereditary Cancer Syndrome; Tumor predisposition; Hereditary neoplastic syndrome. Identifiers: Orphanet 140162, MedGen C0027672, MeSH D009386, MONDO:0015356.
Hereditary breast ovarian cancer syndrome. Also called: BRCA1- and BRCA2-Associated Hereditary Breast and Ovarian Cancer; Hereditary breast and ovarian cancer syndrome (HBOC); Hereditary breast and ovarian cancer syndrome; Hereditary breast and ovarian cancer; Hereditary breast and/or ovarian cancer syndrome; Breast and ovarian cancer. Identifiers: Orphanet 145, MedGen C0677776, MeSH D061325, MONDO:0003582. Disease mechanism: loss of function.
Familial cancer of breast. Also called: Hereditary breast cancer; hereditary breast carcinoma; BREAST CANCER, FAMILIAL. Identifiers: Orphanet 227535, MedGen C0346153, MONDO:0016419, OMIM 114480. Disease mechanism: loss of function.
Ataxia-telangiectasia syndrome (AT). Also called: Cerebello-oculocutaneous telangiectasia; Immunodeficiency with ataxia telangiectasia; Ataxia-telangiectasia, complementation group D; AT, COMPLEMENTATION GROUP C; Ataxia-telangiectasia, complementation group E; Ataxia-telangiectasia. Identifiers: Orphanet 100, MedGen C0004135, MONDO:0008840, OMIM 208900.

Allele frequency attached by ClinVar (database versions not stated): gnomAD exomes below 0.00001 and 0.00001; gnomAD 0.00001; TOPMed 0.00001.
gnomAD v4.1: 11 of 1,610,774 alleles (0.00068%); highest among the groups gnomAD compares: Non-Finnish European, 0.00093%; no homozygotes.

Submissions (11):

PreventionGenetics, part of Exact Sciences
Classification: Likely benign for ATM-related condition. Last evaluated: 2026-02-12. Review status: criteria provided, single submitter. Criteria: ACMG Guidelines, 2015. Collection method: clinical testing. Allele origin: germline.
Comment: This variant is classified as likely benign based on ACMG/AMP sequence variant interpretation guidelines (Richards et al. 2015 PMID: 25741868, with internal and published modifications).

Labcorp Genetics (formerly Invitae), Labcorp
Classification: Likely benign for Ataxia-telangiectasia syndrome. Last evaluated: 2026-01-05. Review status: criteria provided, single submitter. Criteria: Invitae Variant Classification Sherloc (09022015). Collection method: clinical testing. Allele origin: germline.

Women's Health and Genetics/Laboratory Corporation of America, LabCorp
Classification: Likely benign. Last evaluated: 2025-01-13. Review status: criteria provided, single submitter. Criteria: LabCorp Variant Classification Summary - May 2015. Collection method: clinical testing. Allele origin: germline.
Comment: Variant summary: ATM c.2377-6T>A alters a non-conserved nucleotide located close to a canonical splice site and therefore could affect mRNA splicing, leading to a significantly altered protein sequence. Several computational tools predict a significant impact on normal splicing: One predict the variant abolishes a canonical 3' acceptor site. Two predict the variant weakens a canonical 3' acceptor site. However one study has shown this variant results in 83% Minigene Full Length-transcript (Bueno-Martnez_2022). The variant allele was found at a frequency of 4e-06 in 251092 control chromosomes. The available data on variant occurrences in the general population are insufficient to allow any conclusion about variant significance. c.2377-6T>A has been reported in the literature in individuals affected with Breast and/or ovarian cancer (example: Thorstenson_2003). These report(s) do not provide unequivocal conclusions about association of the variant with Prostate Cancer. To our knowledge, no experimental evidence demonstrating an impact on protein function has been reported. The following publications have been ascertained in the context of this evaluation (PMID: 12810666, 35716007). ClinVar contains an entry for this variant (Variation ID: 234263).Based on the evidence outlined above, the variant was classified as likely benign.

German Consortium for Hereditary Breast and Ovarian Cancer, University Hospital Cologne
Classification: Likely benign for Hereditary breast ovarian cancer syndrome. Last evaluated: 2024-05-02. Review status: criteria provided, single submitter. Criteria: ClinGen ATM V1.1.0. Collection method: curation. Allele origin: germline.
Comment: According to the ClinGen ACMG ATM v1.1.0 criteria we chose these criteria: PM2 (supporting pathogenic): Use as PM2_Supporting for variants with a general population frequency≤.001% in all sub-populations when N>1., BP7 (medium benign): RNA-Analysis showed no effect on splicing

CeGaT Center for Human Genetics Tuebingen
Classification: Uncertain significance. Last evaluated: 2023-11-01. Review status: criteria provided, single submitter. Criteria: CeGaT Center For Human Genetics Tuebingen Variant Classification Criteria Version 2. Collection method: clinical testing. Allele origin: germline. Affected: yes. Observed: 1 variant allele.
Comment: ATM: PM2, BP4

Department of Pathology and Laboratory Medicine, Sinai Health System
Classification: Uncertain significance for Familial cancer of breast. Last evaluated: 2023-02-14. Review status: criteria provided, single submitter. Criteria: ACMG Guidelines, 2015. Collection method: clinical testing. Allele origin: germline. Affected: yes.

MGZ Medical Genetics Center
Classification: Uncertain significance for Familial cancer of breast. Last evaluated: 2022-07-18. Review status: criteria provided, single submitter. Criteria: ACMG Guidelines, 2015. Collection method: clinical testing. Allele origin: germline. Affected: yes. Observed: 1 variant allele.
Comment: ACMG criteria applied: PS4_MOD, PM2_SUP, PP3

GeneDx
Classification: Uncertain significance. Last evaluated: 2020-02-26. Review status: criteria provided, single submitter. Criteria: GeneDx Variant Classification Process June 2021. Collection method: clinical testing. Allele origin: germline. Affected: yes.
Comment: Not observed at a significant frequency in large population cohorts (Lek et al., 2016); In silico analysis supports a deleterious effect on splicing; Also known as IVS17-6T>A; Observed in individuals with breast and/or ovarian cancer (Thorstenson 2003, Hauke 2018); This variant is associated with the following publications: (PMID: 12810666, 29522266)

Eurofins Ntd Llc (ga)
Classification: Uncertain significance. Last evaluated: 2017-04-04. Review status: criteria provided, single submitter. Criteria: EGL Classification Definitions 2015. Collection method: clinical testing. Allele origin: germline. Observed: 1 variant allele, 1 heterozygote.

Color Diagnostics, LLC DBA Color Health
Classification: Likely benign for Hereditary cancer-predisposing syndrome. Last evaluated: 2016-02-10. Review status: criteria provided, single submitter. Criteria: ACMG Guidelines, 2015. Collection method: clinical testing. Allele origin: germline.

Natera, Inc.
Classification: Uncertain significance for Ataxia-telangiectasia. Last evaluated: 2020-08-24. Review status: no assertion criteria provided. Collection method: clinical testing. Allele origin: germline. Not counted in ClinVar's aggregate classification.

Literature cited by the submitters: PubMed 12810666 (cited by Women's Health and Genetics/Laboratory Corporation of America, LabCorp and Department of Pathology and Laboratory Medicine, Sinai Health System); PubMed 35716007 (cited by Women's Health and Genetics/Laboratory Corporation of America, LabCorp); PubMed 29522266 (cited by Department of Pathology and Laboratory Medicine, Sinai Health System).

NM_000051.4(ATM):c.2377-6T>A

Gene: ATM (ATM serine/threonine kinase; plus strand). Cytogenetic location: 11q22.3.
Variant type: single nucleotide variant.
Coding change: c.2377-6T>A on transcript NM_000051.4 (MANE Select); 6 bases into the intron before coding-DNA position 2377, T replaced by A.
Molecular consequence: intron variant.
Genome position (GRCh38, 1-based): chr11:108,258,980, T>A. VCF-style: chr11-108258980-T-A. GRCh37 (hg19) VCF-style: chr11-108129707-T-A.
Other names: c.2377-6T>A (NM_000051.2, NM_001351834.2).
Identifiers: ClinVar variation 234263 (VCV000234263.48), dbSNP rs876660963, ClinGen allele CA10577426.